The following is an entry in ClinVar:

ClinVar aggregate classification (germline): Uncertain significance. Review status: criteria provided, multiple submitters, no conflicts (2 of 4 stars). 3 submissions from 3 submitters: Uncertain significance (3). Last evaluated 2026-07-28.

Conditions:
Neurofibromatosis, type 1 (NF1). Also called: NEUROFIBROMATOSIS, TYPE I, SOMATIC; VON RECKLINGHAUSEN DISEASE; Neurofibromatosis, type I; Peripheral type neurofibromatosis. Identifiers: Orphanet 636, MedGen C0027831, MONDO:0018975, OMIM 162200. Disease mechanism: loss of function.
Hereditary cancer-predisposing syndrome. Also called: Tumor predisposition; Hereditary Cancer Syndrome; Hereditary neoplastic syndrome; Neoplastic Syndromes, Hereditary. Identifiers: Orphanet 140162, MedGen C0027672, MeSH D009386, MONDO:0015356.
Cardiovascular phenotype. Identifiers: MedGen CN230736.

Submissions (3):

Ambry Genetics
Classification: Uncertain significance for Cardiovascular phenotype; Hereditary cancer-predisposing syndrome. Last evaluated: 2026-07-28. Review status: criteria provided, single submitter. Criteria: Ambry Variant Classification Scheme 2023. Collection method: clinical testing. Allele origin: germline.
Comment: The p.P2382S variant (also known as c.7144C>T), located in coding exon 48 of the NF1 gene, results from a C to T substitution at nucleotide position 7144. The proline at codon 2382 is replaced by serine, an amino acid with similar properties. This amino acid position is conserved. In addition, this alteration is predicted to be tolerated by in silico analysis. Based on the available evidence, the clinical significance of this variant remains unclear.

Labcorp Genetics (formerly Invitae), Labcorp
Classification: Uncertain significance for Neurofibromatosis, type 1. Last evaluated: 2024-08-15. Review status: criteria provided, single submitter. Criteria: Invitae Variant Classification Sherloc (09022015). Collection method: clinical testing. Allele origin: germline.
Comment: This sequence change replaces proline, which is neutral and non-polar, with serine, which is neutral and polar, at codon 2382 of the NF1 protein (p.Pro2382Ser). This variant is not present in population databases (gnomAD no frequency). This variant has not been reported in the literature in individuals affected with NF1-related conditions. Invitae Evidence Modeling of protein sequence and biophysical properties (such as structural, functional, and spatial information, amino acid conservation, physicochemical variation, residue mobility, and thermodynamic stability) indicates that this missense variant is not expected to disrupt NF1 protein function with a negative predictive value of 95%. In summary, the available evidence is currently insufficient to determine the role of this variant in disease. Therefore, it has been classified as a Variant of Uncertain Significance.

GeneDx
Classification: Uncertain significance. Last evaluated: 2024-02-07. Review status: criteria provided, single submitter. Criteria: GeneDx Variant Classification Process June 2021. Collection method: clinical testing. Allele origin: germline. Affected: yes.
Comment: Not observed at significant frequency in large population cohorts (gnomAD); In silico analysis supports that this missense variant has a deleterious effect on protein structure/function; Has not been previously published as pathogenic or benign to our knowledge; This variant is associated with the following publications: (PMID: 25486365)

NM_001042492.3(NF1):c.7207C>T (p.Pro2403Ser)

Gene: NF1 (neurofibromin 1; plus strand). Cytogenetic location: 17q11.2.
Variant type: single nucleotide variant.
Coding change: c.7207C>T on transcript NM_001042492.3 (MANE Select); coding-DNA position 7207, C replaced by T.
Protein change: p.Pro2403Ser; replaces proline 2403 with serine.
Molecular consequence: missense variant.
Genome position (GRCh38, 1-based): chr17:31,349,137, C>T. VCF-style: chr17-31349137-C-T. GRCh37 (hg19) VCF-style: chr17-29676155-C-T.
Other names: c.7144C>T, p.Pro2382Ser (NM_000267.4); short protein forms P2382S, P2403S.
Identifiers: ClinVar variation 3369002 (VCV003369002.4).